The following is an entry in ClinVar:

ClinVar aggregate classification (germline): Pathogenic (1 of 4 stars; one submission).

Submission:

Labcorp Genetics (formerly Invitae), Labcorp
Classification: Pathogenic. Last evaluated: 2023-12-05. Review status: criteria provided, single submitter. Criteria: Invitae Variant Classification Sherloc (09022015). Collection method: clinical testing. Allele origin: germline.
Comment: This sequence change creates a premature translational stop signal (p.Gln374Leufs*109) in the KRT14 gene. It is expected to result in an absent or disrupted protein product. Loss-of-function variants in KRT14 are known to be pathogenic (PMID: 16614722, 27283507, 29130490). This variant is not present in population databases (gnomAD no frequency). This variant has not been reported in the literature in individuals affected with KRT14-related conditions. For these reasons, this variant has been classified as Pathogenic.

Literature cited by the submitters: PubMed 16614722; PubMed 27283507; PubMed 29130490.

NM_000526.5(KRT14):c.1120_1121insT (p.Gln374fs)

Gene: KRT14 (keratin 14; minus strand). Cytogenetic location: 17q21.2.
Variant type: Insertion.
Coding change: c.1120_1121insT on transcript NM_000526.5 (MANE Select); coding-DNA positions 1120 to 1121, T inserted.
Protein change: p.Gln374fs; shifts the reading frame from glutamine 374.
Molecular consequence: frameshift variant.
Genome position: GRCh38 VCF-style: chr17-41583388-T-TA. GRCh37 (hg19) VCF-style: chr17-39739640-T-TA.
Other names: short protein forms Q374fs.
Identifiers: ClinVar variation 2699329 (VCV002699329.3), dbSNP rs2508732251, ClinGen allele CA2697559864.